The following is an entry in ClinVar:

ClinVar aggregate classification (germline): Conflicting classifications of pathogenicity. Review status: criteria provided, conflicting classifications (1 of 4 stars). 2 submissions from 2 submitters: Likely pathogenic (1); Uncertain significance (1). Last evaluated 2025-03-04.

Submissions (2):

Center for Genomic Medicine, Rigshospitalet, Copenhagen University Hospital
Classification: Likely pathogenic. Last evaluated: 2025-03-04. Review status: criteria provided, single submitter. Criteria: ACMG Guidelines, 2015. Collection method: clinical testing. Allele origin: germline.

GeneDx
Classification: Uncertain significance. Last evaluated: 2023-12-04. Review status: criteria provided, single submitter. Criteria: GeneDx Variant Classification Process June 2021. Collection method: clinical testing. Allele origin: germline. Affected: yes.
Comment: Not observed at significant frequency in large population cohorts (gnomAD); In silico analysis supports a deleterious effect on splicing; Has not been previously published as pathogenic or benign to our knowledge

Literature cited by the submitters: PubMed 29673180 (cited by Center for Genomic Medicine, Rigshospitalet, Copenhagen University Hospital); PubMed 16944272 (cited by Center for Genomic Medicine, Rigshospitalet, Copenhagen University Hospital); PubMed 2009 (cited by Center for Genomic Medicine, Rigshospitalet, Copenhagen University Hospital).

NM_001042492.3(NF1):c.5609+5del

Gene: NF1 (neurofibromin 1; plus strand). Cytogenetic location: 17q11.2.
Variant type: Deletion.
Coding change: c.5609+5del on transcript NM_001042492.3 (MANE Select); 5 bases into the intron after coding-DNA position 5609, one base deleted (G; older notation c.5609+5delG).
Molecular consequence: intron variant.
Genome position (GRCh38, 1-based): chr17:31,327,844, G deleted; the last of 2 consecutive G bases (chr17:31,327,843-31,327,844); deleting either gives the same sequence. VCF-style (leftmost placement, unchanged base first): chr17-31327842-AG-A. GRCh37 (hg19) VCF-style: chr17-29654860-AG-A.
Other names: c.5546+5del (NM_000267.4); c.5546+5delG (NM_000267.3).
Identifiers: ClinVar variation 3256337 (VCV003256337.3).
Genomic context (GRCh38, chr17:31,327,842, plus strand): 5'-CTGGGACACTGCTCAATATCGCATTACTTAATTTAGGCAGTTCTGACCCGAGTTTACGGT[AG>A]GTTTTTTAAAATTCTCTTCAGTTTGATTTGGGGTTTGTTGCTTTTAAAATGAGACCATTT-3'